The following is an entry in ClinVar:

ClinVar aggregate classification (germline): Uncertain significance (1 of 4 stars; one submission).

Submission:

GeneDx
Classification: Uncertain significance. Last evaluated: 2019-10-31. Review status: criteria provided, single submitter. Criteria: GeneDx Variant Classification Process June 2021. Collection method: clinical testing. Allele origin: germline. Affected: yes.
Comment: Not observed in large population cohorts (Lek et al., 2016); In silico analysis, which includes splice predictors and evolutionary conservation, supports a deleterious effect; Has not been previously published as pathogenic or benign to our knowledge

NM_002709.3(PPP1CB):c.102T>A (p.Val34=)

Gene: PPP1CB (protein phosphatase 1 catalytic subunit beta; plus strand). Cytogenetic location: 2p23.2.
Variant type: single nucleotide variant.
Coding change: c.102T>A on transcript NM_002709.3 (MANE Select); coding-DNA position 102, T replaced by A.
Protein change: p.Val34=; no amino-acid change (valine 34 retained).
Molecular consequence: synonymous variant.
Genome position (GRCh38, 1-based): chr2:28,776,900, T>A. VCF-style: chr2-28776900-T-A. GRCh37 (hg19) VCF-style: chr2-28999766-T-A.
Other names: c.102T>A, p.Val34= (NM_206876.2).
Identifiers: ClinVar variation 1310052 (VCV001310052.2), dbSNP rs2148048864, ClinGen allele CA425499227.